The following is an entry in ClinVar:

ClinVar aggregate classification (germline): Benign. Review status: criteria provided, single submitter (1 of 4 stars). 3 submissions from 1 submitter: Benign (3). Last evaluated 2018-01-13.

Conditions:
Polydactyly. Also called: polydactylism. Identifiers: MedGen C0152427, MONDO:0021003, OMIM 603596, HP:0010442.
Pallister-Hall syndrome (PHS). Also called: HYPOTHALAMIC HAMARTOBLASTOMA, HYPOPITUITARISM, IMPERFORATE ANUS, AND POSTAXIAL POLYDACTYLY; GLI3-Related Pallister-Hall Syndrome. Identifiers: Orphanet 672, MedGen C0265220, MONDO:0007804, OMIM 146510.
Greig cephalopolysyndactyly syndrome (GCPS). Also called: POLYSYNDACTYLY WITH PECULIAR SKULL SHAPE; Greig syndrome; GLI3-Related Greig Cephalopolysyndactyly Syndrome. Identifiers: Orphanet 380, MedGen C0265306, MONDO:0008287, OMIM 175700.

Allele frequency attached by ClinVar (database versions not stated): gnomAD 0.00012 and 0.00018; TOPMed 0.00018; 1000 Genomes Project 30x 0.00094; 1000 Genomes Project 0.00100.

Submissions (3):

Illumina Laboratory Services, Illumina
Classification: Benign for Pallister-Hall syndrome. Last evaluated: 2018-01-13. Review status: criteria provided, single submitter. Criteria: ICSL Variant Classification Criteria 13 December 2019. Collection method: clinical testing. Allele origin: germline.
Comment: This variant was observed in the ICSL laboratory as part of a predisposition screen in an ostensibly healthy population. It had not been previously curated by ICSL or reported in the Human Gene Mutation Database (HGMD: prior to June 1st, 2018), and was therefore a candidate for classification through an automated scoring system. Utilizing variant allele frequency, disease prevalence and penetrance estimates, and inheritance mode, an automated score was calculated to assess if this variant is too frequent to cause the disease. Based on the score and internal cut-off values, a variant classified as benign is not then subjected to further curation. The score for this variant resulted in a classification of benign for this disease.

Illumina Laboratory Services, Illumina
Classification: Benign for Greig cephalopolysyndactyly syndrome. Last evaluated: 2018-01-13. Review status: criteria provided, single submitter. Criteria: ICSL Variant Classification Criteria 13 December 2019. Collection method: clinical testing. Allele origin: germline.
Comment: the same text as in the submission from Illumina Laboratory Services, Illumina above.

Illumina Laboratory Services, Illumina
Classification: Benign for Polydactyly. Last evaluated: 2018-01-13. Review status: criteria provided, single submitter. Criteria: ICSL Variant Classification Criteria 13 December 2019. Collection method: clinical testing. Allele origin: germline.
Comment: the same text as in the submission from Illumina Laboratory Services, Illumina above.

NM_000168.6(GLI3):c.*1411G>A

Gene: GLI3 (GLI family zinc finger 3; minus strand). Cytogenetic location: 7p14.1.
Variant type: single nucleotide variant.
Coding change: c.*1411G>A on transcript NM_000168.6 (MANE Select); 1411 bases downstream of the stop codon, G replaced by A.
Molecular consequence: 3 prime UTR variant.
Genome position (GRCh38, 1-based): chr7:41,962,919, C>T on the plus strand (G>A on the coding strand, the complement: GLI3 is on the minus strand). VCF-style: chr7-41962919-C-T. GRCh37 (hg19) VCF-style: chr7-42002517-C-T.
Identifiers: ClinVar variation 360187 (VCV000360187.5), dbSNP rs148318176, ClinGen allele CA10623970.